The following is an entry in ClinVar:

ClinVar aggregate classification (germline): Uncertain significance (1 of 4 stars; one submission).

Conditions:
ITGA2-related disorder. Also called: ITGA2-related condition.

gnomAD v4.1: 19 of 1,613,980 alleles (0.0012%); highest among the groups gnomAD compares: African/African-American, 0.004%; no homozygotes.

Submission:

PreventionGenetics, part of Exact Sciences
Classification: Uncertain significance for ITGA2-related condition. Last evaluated: 2025-07-25. Review status: criteria provided, single submitter. Criteria: ACMG Guidelines, 2015. Collection method: clinical testing. Allele origin: germline.
Comment: The ITGA2 c.438G>A variant is not predicted to result in an amino acid change (p.=). This variant is predicted to alter splicing based on available splicing prediction programs (SpliceAI, Jaganathan et al. 2019. PubMed ID: 30661751). However, such computer prediction programs are imperfect. To our knowledge, this variant has not been reported in the literature. This variant is reported in 0.0040% of alleles in individuals of African descent in gnomAD. At this time, the clinical significance of this variant is uncertain due to the absence of conclusive functional and genetic evidence.

NM_002203.4(ITGA2):c.438G>A (p.Thr146=)

Gene: ITGA2 (integrin subunit alpha 2; plus strand). Cytogenetic location: 5q11.2.
Variant type: single nucleotide variant.
Coding change: c.438G>A on transcript NM_002203.4 (MANE Select); coding-DNA position 438, G replaced by A.
Protein change: p.Thr146=; no amino-acid change (threonine 146 retained).
Molecular consequence: synonymous variant. On other transcripts: non-coding transcript variant (5).
Genome position (GRCh38, 1-based): chr5:53,048,413, G>A. VCF-style: chr5-53048413-G-A. GRCh37 (hg19) VCF-style: chr5-52344243-G-A.
Identifiers: ClinVar variation 4986989 (VCV004986989.1).
Genomic context (GRCh38, chr5:53,048,413, plus strand): 5'-TTCTTTGAAGACATGTGGTCCTCTGTGGGCACAGCAATGTGGGAATCAGTATTACACAAC[G>A]GGTGTGTGTTCTGACATCAGTCCTGATTTTCAGCTCTCAGCCAGCTTCTCACCTGCAACT-3'
Protein context (NP_002194.2, residues 136-156): AQQCGNQYYT[Thr146=]GVCSDISPDF